The following is an entry in ClinVar:

ClinVar aggregate classification (germline): Conflicting classifications of pathogenicity. Review status: criteria provided, conflicting classifications (1 of 4 stars). 5 submissions from 5 submitters: Uncertain significance (3); Likely benign (1). 1 of the submissions does not count toward it. Last evaluated 2024-12-20.

Conditions:
Hereditary cancer-predisposing syndrome. Also called: Tumor predisposition; Hereditary Cancer Syndrome; Neoplastic Syndromes, Hereditary; Hereditary neoplastic syndrome. Identifiers: Orphanet 140162, MedGen C0027672, MeSH D009386, MONDO:0015356.
Hereditary breast ovarian cancer syndrome. Also called: Hereditary breast and ovarian cancer; Breast and ovarian cancer; Hereditary breast and/or ovarian cancer syndrome; BRCA1- and BRCA2-Associated Hereditary Breast and Ovarian Cancer; Hereditary breast and ovarian cancer syndrome; Hereditary breast and ovarian cancer syndrome (HBOC). Identifiers: Orphanet 145, MedGen C0677776, MeSH D061325, MONDO:0003582. Disease mechanism: loss of function.
Breast-ovarian cancer, familial, susceptibility to, 2 (BROVCA2). Also called: BRCA2 Hereditary Breast and Ovarian Cancer. Identifiers: Orphanet 145, MedGen C2675520, MONDO:0012933, OMIM 612555. Disease mechanism: loss of function.
Familial cancer of breast. Also called: BREAST CANCER, FAMILIAL; Hereditary breast cancer; hereditary breast carcinoma. Identifiers: Orphanet 227535, MedGen C0346153, MONDO:0016419, OMIM 114480. Disease mechanism: loss of function.

gnomAD v4.1: 1 of 1,614,146 alleles (0.000062%); highest among the groups gnomAD compares: Admixed American, 0.0017%; no homozygotes.

Submissions (5):

Labcorp Genetics (formerly Invitae), Labcorp
Classification: Uncertain significance for Hereditary breast ovarian cancer syndrome. Last evaluated: 2024-12-20. Review status: criteria provided, single submitter. Criteria: Invitae Variant Classification Sherloc (09022015). Collection method: clinical testing. Allele origin: germline.
Comment: This sequence change replaces glycine, which is neutral and non-polar, with valine, which is neutral and non-polar, at codon 2901 of the BRCA2 protein (p.Gly2901Val). This variant is present in population databases (no rsID available, gnomAD 0.003%). This variant has not been reported in the literature in individuals affected with BRCA2-related conditions. ClinVar contains an entry for this variant (Variation ID: 252416). Invitae Evidence Modeling incorporating data from in vitro experimental studies (PMID: 33609447) indicates that this missense variant is not expected to disrupt BRCA2 function with a negative predictive value of 95%. In summary, the available evidence is currently insufficient to determine the role of this variant in disease. Therefore, it has been classified as a Variant of Uncertain Significance.

Quest Diagnostics Nichols Institute San Juan Capistrano
Classification: Uncertain significance. Last evaluated: 2023-03-13. Review status: criteria provided, single submitter. Criteria: Quest Diagnostics criteria. Collection method: clinical testing. Allele origin: unknown.
Comment: To the best of our knowledge, the variant has not been reported in the published literature. The frequency of this variant in the general population, 0.000004 (1/251324 chromosomes), is uninformative in assessment of its pathogenicity. Analysis of this variant using bioinformatics tools for the prediction of the effect of amino acid changes on protein structure and function yielded predictions that this variant is damaging. Based on the available information, we are unable to determine the clinical significance of this variant.

Baylor Genetics
Classification: Uncertain significance for Familial cancer of breast. Last evaluated: 2022-03-24. Review status: criteria provided, single submitter. Criteria: ACMG Guidelines, 2015. Collection method: clinical testing. Allele origin: unknown.

Ambry Genetics
Classification: Likely benign for Hereditary cancer-predisposing syndrome. Last evaluated: 2020-03-04. Review status: criteria provided, single submitter. Criteria: Ambry Variant Classification Scheme 2023. Collection method: clinical testing. Allele origin: germline.

Sharing Clinical Reports Project (SCRP)
Classification: Uncertain significance for Breast-ovarian cancer, familial 2. Last evaluated: 2007-10-02. Review status: no assertion criteria provided. Collection method: clinical testing. Allele origin: germline. Not counted in ClinVar's aggregate classification.

Literature cited by the submitters: PubMed 33609447 (cited by Labcorp Genetics (formerly Invitae), Labcorp).

NM_000059.4(BRCA2):c.8702G>T (p.Gly2901Val)

Gene: BRCA2 (BRCA2 DNA repair associated; plus strand). Cytogenetic location: 13q13.1.
Variant type: single nucleotide variant.
Coding change: c.8702G>T on transcript NM_000059.4 (MANE Select); coding-DNA position 8702, G replaced by T.
Protein change: p.Gly2901Val; replaces glycine 2901 with valine.
Molecular consequence: missense variant.
Genome position (GRCh38, 1-based): chr13:32,376,739, G>T. VCF-style: chr13-32376739-G-T. GRCh37 (hg19) VCF-style: chr13-32950876-G-T.
Other names: short protein forms G2901V.
Identifiers: ClinVar variation 252416 (VCV000252416.20), dbSNP rs80359129, ClinGen allele CA10585901.
Genomic context (GRCh38, chr13:32,376,739, plus strand): 5'-CAAAACCATATTTACCATCACGTGCACTAACAAGACAGCAAGTTCGTGCTTTGCAAGATG[G>T]TGCAGAGCTTTATGAAGCAGTGAAGAATGCAGCAGACCCAGCTTACCTTGAGGTGAGAGA-3'
Protein context (NP_000050.3, residues 2891-2911): TRQQVRALQD[Gly2901Val]AELYEAVKNA